The following is an entry in ClinVar:

ClinVar aggregate classification (germline): Uncertain significance. Review status: criteria provided, multiple submitters, no conflicts (2 of 4 stars). 2 submissions from 2 submitters: Uncertain significance (2). Last evaluated 2025-01-07.

Conditions:
Inborn genetic diseases. Identifiers: MedGen C0950123, MeSH D030342.

Allele frequency attached by ClinVar (database versions not stated): ExAC 0.00002; TOPMed 0.00005; gnomAD 0.00007 and 0.00008.
gnomAD v4.1: 108 of 1,614,032 alleles (0.0067%); highest among the groups gnomAD compares: Non-Finnish European, 0.0081%; no homozygotes.

Submissions (2):

Ambry Genetics
Classification: Uncertain significance for Inborn genetic diseases. Last evaluated: 2025-01-07. Review status: criteria provided, single submitter. Criteria: Ambry Variant Classification Scheme 2023. Collection method: clinical testing. Allele origin: germline.

Labcorp Genetics (formerly Invitae), Labcorp
Classification: Uncertain significance. Last evaluated: 2021-11-04. Review status: criteria provided, single submitter. Criteria: Invitae Variant Classification Sherloc (09022015). Collection method: clinical testing. Allele origin: germline.
Comment: This sequence change replaces proline, which is neutral and non-polar, with leucine, which is neutral and non-polar, at codon 746 of the COL27A1 protein (p.Pro746Leu). This variant is present in population databases (rs745396604, gnomAD 0.005%). This variant has not been reported in the literature in individuals affected with COL27A1-related conditions. Advanced modeling of protein sequence and biophysical properties (such as structural, functional, and spatial information, amino acid conservation, physicochemical variation, residue mobility, and thermodynamic stability) performed at Invitae indicates that this missense variant is not expected to disrupt COL27A1 protein function. In summary, the available evidence is currently insufficient to determine the role of this variant in disease. Therefore, it has been classified as a Variant of Uncertain Significance.

NM_032888.4(COL27A1):c.2237C>T (p.Pro746Leu)

Gene: COL27A1 (collagen type XXVII alpha 1 chain; plus strand). Cytogenetic location: 9q32.
Variant type: single nucleotide variant.
Coding change: c.2237C>T on transcript NM_032888.4 (MANE Select); coding-DNA position 2237, C replaced by T.
Protein change: p.Pro746Leu; replaces proline 746 with leucine.
Molecular consequence: missense variant.
Genome position (GRCh38, 1-based): chr9:114,206,265, C>T. VCF-style: chr9-114206265-C-T. GRCh37 (hg19) VCF-style: chr9-116968545-C-T.
Other names: c.2237C>T (NM_032888.2); short protein forms P746L.
Identifiers: ClinVar variation 1407231 (VCV001407231.4), dbSNP rs745396604, ClinGen allele CA5201696.
Genomic context (GRCh38, chr9:114,206,265, plus strand): 5'-GTAGAGCGTCTCCATATGTCCTTGCCCCTCTGTGTTTTGTGTTTCAGGGGTTACCTGGAC[C>T]GGTAGGAGATCCCGGCCCCAAAGGCAGCAGGGTAAGTGGTTCCTGGCCAGTGCCACATGG-3'
Protein context (NP_116277.2, residues 736-756): GYPGRQGLPG[Pro746Leu]VGDPGPKGSR